The following is an entry in ClinVar:

ClinVar aggregate classification (germline): Pathogenic (1 of 4 stars; one submission).

Submission:

Labcorp Genetics (formerly Invitae), Labcorp
Classification: Pathogenic. Last evaluated: 2024-03-27. Review status: criteria provided, single submitter. Criteria: Invitae Variant Classification Sherloc (09022015). Collection method: clinical testing. Allele origin: germline.
Comment: This sequence change creates a premature translational stop signal (p.Gly1631Valfs*17) in the SI gene. It is expected to result in an absent or disrupted protein product. Loss-of-function variants in SI are known to be pathogenic (PMID: 16329100, 23103650, 25452324). This variant is not present in population databases (gnomAD no frequency). This variant has not been reported in the literature in individuals affected with SI-related conditions. Algorithms developed to predict the effect of sequence changes on RNA splicing suggest that this variant may disrupt the consensus splice site. For these reasons, this variant has been classified as Pathogenic.

Literature cited by the submitters: PubMed 16329100; PubMed 23103650; PubMed 25452324.

NM_001041.4(SI):c.4892del (p.Gly1631fs)

Gene: SI (sucrase-isomaltase; minus strand). Cytogenetic location: 3q26.1.
Variant type: Deletion.
Coding change: c.4892del on transcript NM_001041.4 (MANE Select); coding-DNA position 4892, one base deleted (G; older notation c.4892delG).
Protein change: p.Gly1631fs; shifts the reading frame from glycine 1631.
Molecular consequence: frameshift variant.
Genome position (GRCh38, 1-based): chr3:164,992,347, C deleted on the plus strand (G on the coding strand, the reverse complement: SI is on the minus strand); the first of 4 consecutive C bases (chr3:164,992,347-164,992,350); deleting any one gives the same sequence. VCF-style (leftmost placement, unchanged base first): chr3-164992346-AC-A. GRCh37 (hg19) VCF-style: chr3-164710134-AC-A.
Other names: short protein forms G1631fs.
Identifiers: ClinVar variation 3647235 (VCV003647235.2).